The following is an entry in ClinVar:

NM_177550.5(SLC13A5):c.215T>C (p.Ile72Thr)

Gene: SLC13A5 (solute carrier family 13 member 5; minus strand). Cytogenetic location: 17p13.1.
Variant type: single nucleotide variant.
Coding change: c.215T>C on transcript NM_177550.5 (MANE Select); coding-DNA position 215, T replaced by C.
Protein change: p.Ile72Thr; replaces isoleucine 72 with threonine.
Molecular consequence: missense variant. On other transcripts: intron variant (1).
Genome position (GRCh38, 1-based): chr17:6,707,044, A>G on the plus strand (T>C on the coding strand, the complement: SLC13A5 is on the minus strand). VCF-style: chr17-6707044-A-G. GRCh37 (hg19) VCF-style: chr17-6610363-A-G.
Other names: c.215T>C, p.Ile72Thr (NM_001143838.3, NM_001284509.2); c.103-266T>C (NM_001284510.2); short protein forms I72T.
Identifiers: ClinVar variation 2066536 (VCV002066536.4), dbSNP rs771281348, ClinGen allele CA8331852.
Genomic context (GRCh38, chr17:6,707,044, plus strand): 5'-AGGGGAGAACCAGAAAGTCACCAGGATCCCTTGGGTCTGCTCACCTGCCTGGAGTCCAGA[A>G]TCTGGAAGAGTGGGAAAAGCAAGACAGGCATGAGAGAGGTGACAGCCAGAGGGATGACTT-3'
Protein context (NP_808218.1, residues 62-82): MPVLLFPLFQ[Ile72Thr]LDSRQVCVQY

ClinVar aggregate classification (germline): Uncertain significance (1 of 4 stars; one submission).

Conditions:
Developmental and epileptic encephalopathy, 25 (DEE25). Also called: Epileptic encephalopathy, early infantile, 25; Developmental and epileptic encephalopathy 25, with amelogenesis imperfecta; Epileptic encephalopathy, early infantile, 25, with amelogenesis imperfecta. Identifiers: Orphanet 442835, MedGen C4014621, MONDO:0014392, OMIM 615905.

Allele frequency attached by ClinVar (database versions not stated): gnomAD exomes below 0.00001; ExAC 0.00001.
gnomAD v4.1: 2 of 1,613,992 alleles (0.00012%); highest among the groups gnomAD compares: African/African-American, 0.0027%; no homozygotes.

Submission:

Labcorp Genetics (formerly Invitae), Labcorp
Classification: Uncertain significance for Developmental and epileptic encephalopathy, 25. Last evaluated: 2022-02-17. Review status: criteria provided, single submitter. Criteria: Invitae Variant Classification Sherloc (09022015). Collection method: clinical testing. Allele origin: germline.
Comment: In summary, the available evidence is currently insufficient to determine the role of this variant in disease. Therefore, it has been classified as a Variant of Uncertain Significance. Algorithms developed to predict the effect of missense changes on protein structure and function (SIFT, PolyPhen-2, Align-GVGD) all suggest that this variant is likely to be disruptive. This variant has not been reported in the literature in individuals affected with SLC13A5-related conditions. This variant is present in population databases (rs771281348, gnomAD 0.01%). This sequence change replaces isoleucine, which is neutral and non-polar, with threonine, which is neutral and polar, at codon 72 of the SLC13A5 protein (p.Ile72Thr).